The following is an entry in ClinVar:

NM_001365276.2(TNXB):c.11227G>A (p.Asp3743Asn)

Genes: TNXB (tenascin XB; minus strand), LOC106780803 (tenascin XB recombination region; plus strand). Cytogenetic location: 6p21.33.
Variant type: single nucleotide variant.
Coding change: c.11227G>A on transcript NM_001365276.2 (MANE Select); coding-DNA position 11227, G replaced by A.
Protein change: p.Asp3743Asn; replaces aspartic acid 3743 with asparagine.
Molecular consequence: missense variant.
Genome position (GRCh38, 1-based): chr6:32,044,417, C>T on the plus strand (G>A on the coding strand, the complement: TNXB is on the minus strand). VCF-style: chr6-32044417-C-T. GRCh37 (hg19) VCF-style: chr6-32012194-C-T.
Other names: p.Asp3741Asn; c.11221G>A, p.Asp3741Asn (NM_019105.8); c.514G>A, p.Asp172Asn (NM_032470.4); short protein forms D172N, D3741N, D3743N.
Identifiers: ClinVar variation 989243 (VCV000989243.10), dbSNP rs1254121532, ClinGen allele CA363523268.

ClinVar aggregate classification (germline): Conflicting classifications of pathogenicity. Review status: criteria provided, conflicting classifications (1 of 4 stars). 5 submissions from 5 submitters: Uncertain significance (3); Likely benign (2). Last evaluated 2026-09-18.

Conditions:
TNXB-related disorder. Also called: TNXB-related condition.
Ehlers-Danlos syndrome (EDS). Identifiers: Orphanet 98249, MedGen C0013720, MONDO:0020066.
Ehlers-Danlos syndrome due to tenascin-X deficiency (EDSCLL1). Also called: TNXB-Related Classical-Like Ehlers-Danlos Syndrome; EHLERS-DANLOS SYNDROME, CLASSIC-LIKE; Ehlers-Danlos syndrome, classic-like, 1; TNX DEFICIENCY; EDS DUE TO TNX DEFICIENCY. Identifiers: Orphanet 230839, MedGen C1848029, MONDO:0011670, OMIM 606408.

Allele frequency attached by ClinVar (database versions not stated): 1000 Genomes Project 30x 0.00062; gnomAD exomes 0.00082.

Submissions (5):

PreventionGenetics, part of Exact Sciences
Classification: Uncertain significance for TNXB-related condition. Last evaluated: 2026-09-18. Review status: criteria provided, single submitter. Criteria: ACMG Guidelines, 2015. Collection method: clinical testing. Allele origin: germline.
Comment: The TNXB c.11221G>A variant is predicted to result in the amino acid substitution p.Asp3741Asn. This variant was reported in an individual with vesicoureteral reflux (reported as D3743N in Elahi et al. 2016. PubMed ID: 26408188). This variant is reported in 0.22% of alleles in individuals of Ashkenazi Jewish descent in gnomAD. This variant falls within a highly paralogous region. Allele frequency data should be interpreted with caution. Although we suspect that this variant may be benign, at this time, the clinical significance of this variant is uncertain due to the absence of conclusive functional and genetic evidence.

Mayo Clinic Laboratories, Mayo Clinic
Classification: Likely benign. Last evaluated: 2025-01-13. Review status: criteria provided, single submitter. Criteria: ACMG Guidelines, 2015. Collection method: clinical testing. Allele origin: germline. Observed: 7 variant alleles.
Comment: BS1, BP4

Women's Health and Genetics/Laboratory Corporation of America, LabCorp
Classification: Likely benign. Last evaluated: 2024-01-10. Review status: criteria provided, single submitter. Criteria: LabCorp Variant Classification Summary - May 2015. Collection method: clinical testing. Allele origin: germline.
Comment: Variant summary: TNXB c.11221G>A (p.Asp3741Asn) results in a conservative amino acid change located in the Fibronectin type III (IPR003961) of the encoded protein sequence. Three of five in-silico tools predict a damaging effect of the variant on protein function. The variant allele was found at a frequency of 0.0011 in 435730 control chromosomes, predominantly at a frequency of 0.0015 within the Non-Finnish European subpopulation in the gnomAD database (v4.0.0), including 1 homozygotes. The observed variant frequency within Non-Finnish European control individuals in the gnomAD database is above the estimated maximal expected allele frequency for a pathogenic variant in TNXB causing Ehlers-Danlos-like syndrome phenotype (0.0011), strongly suggesting that the variant is a benign polymorphism found primarily in populations of Non-Finnish European origin. c.11575G>A has been reported in the literature in individuals affected with Primary Vesicoureteric Reflux (Elahi_2016). This report does not provide unequivocal conclusions about association of the variant with Ehlers-Danlos-like syndrome. To our knowledge, no experimental evidence demonstrating an impact on protein function has been reported. The following publication have been ascertained in the context of this evaluation (PMID: 26408188). ClinVar contains an entry for this variant (Variation ID: 989243). Based on the evidence outlined above, the variant was classified as likely benign.

Genome Diagnostics Laboratory, The Hospital for Sick Children
Classification: Uncertain significance for Ehlers-Danlos syndrome. Last evaluated: 2020-08-28. Review status: criteria provided, single submitter. Criteria: ACMG Guidelines, 2015. Collection method: clinical testing. Allele origin: germline.

Illumina Laboratory Services, Illumina
Classification: Uncertain significance for Ehlers-Danlos syndrome due to tenascin-X deficiency. Last evaluated: 2019-06-26. Review status: criteria provided, single submitter. Criteria: ICSLVariantClassificationCriteria RUGD 01 April 2020. Collection method: clinical testing. Allele origin: unknown.
Comment: The TNXB c.11221G>A (p.Asp3741Asn) variant is a missense variant. A literature search was performed for the gene, cDNA change, and amino acid change. No publications were found based on this search. The variant is reported at a frequency of 0.002238 in the Other population from the Genome Aggregation Database. Based on the limited evidence, the p.Asp3741Asn variant is classified as a variant of uncertain significance for Ehlers-Danlos syndrome due to tenascin-X deficiency.

Literature cited by the submitters: PubMed 26408188 (cited by Mayo Clinic Laboratories, Mayo Clinic and Women's Health and Genetics/Laboratory Corporation of America, LabCorp).